The following is an entry in ClinVar:

ClinVar aggregate classification (germline): Uncertain significance (1 of 4 stars; one submission).

Submission:

Labcorp Genetics (formerly Invitae), Labcorp
Classification: Uncertain significance. Last evaluated: 2022-07-05. Review status: criteria provided, single submitter. Criteria: Invitae Variant Classification Sherloc (09022015). Collection method: clinical testing. Allele origin: germline.
Comment: In summary, the available evidence is currently insufficient to determine the role of this variant in disease. Therefore, it has been classified as a Variant of Uncertain Significance. Algorithms developed to predict the effect of missense changes on protein structure and function output the following: SIFT: "Tolerated"; PolyPhen-2: "Benign"; Align-GVGD: "Class C0". The valine amino acid residue is found in multiple mammalian species, which suggests that this missense change does not adversely affect protein function. This variant has not been reported in the literature in individuals affected with CFH-related conditions. This variant is not present in population databases (gnomAD no frequency). This sequence change replaces alanine, which is neutral and non-polar, with valine, which is neutral and non-polar, at codon 5 of the CFH protein (p.Ala5Val).

NM_000186.4(CFH):c.14C>T (p.Ala5Val)

Gene: CFH (complement factor H; plus strand). Cytogenetic location: 1q31.3.
Variant type: single nucleotide variant.
Coding change: c.14C>T on transcript NM_000186.4 (MANE Select); coding-DNA position 14, C replaced by T.
Protein change: p.Ala5Val; replaces alanine 5 with valine.
Molecular consequence: missense variant.
Genome position (GRCh38, 1-based): chr1:196,652,131, C>T. VCF-style: chr1-196652131-C-T. GRCh37 (hg19) VCF-style: chr1-196621261-C-T.
Other names: c.14C>T, p.Ala5Val (NM_001014975.3); short protein forms A5V.
Identifiers: ClinVar variation 1933820 (VCV001933820.5), dbSNP rs2529283730, ClinGen allele CA343988834.